The following is an entry in ClinVar:

NM_000136.3(FANCC):c.104G>A (p.Cys35Tyr)

Gene: FANCC (FA complementation group C; minus strand). Cytogenetic location: 9q22.32.
Variant type: single nucleotide variant.
Coding change: c.104G>A on transcript NM_000136.3 (MANE Select); coding-DNA position 104, G replaced by A.
Protein change: p.Cys35Tyr; replaces cysteine 35 with tyrosine.
Molecular consequence: missense variant.
Genome position (GRCh38, 1-based): chr9:95,249,188, C>T on the plus strand (G>A on the coding strand, the complement: FANCC is on the minus strand). VCF-style: chr9-95249188-C-T. GRCh37 (hg19) VCF-style: chr9-98011470-C-T.
Other names: c.104G>A, p.Cys35Tyr (NM_001243743.2, NM_001243744.2); short protein forms C35Y.
Identifiers: ClinVar variation 840215 (VCV000840215.9), dbSNP rs143212932, ClinGen allele CA374340324.
Genomic context (GRCh38, chr9:95,249,188, plus strand): 5'-ATCTCTTTCAAGGCTTCATACATCTTCCTTAGGAACTCCTGGAACTGAGCCACGTGAAGA[C>T]AGGTGTCTTGCTGGGTTTCCAAAGTGGAAGCCTGATCCCATACAGAAAGCTTCTGCATCC-3'
Protein context (NP_000127.2, residues 25-45): ASTLETQQDT[Cys35Tyr]LHVAQFQEFL

ClinVar aggregate classification (germline): Uncertain significance (1 of 4 stars; one submission).

Conditions:
Fanconi anemia (FA). Also called: Fanconi's anemia. Identifiers: Orphanet 84, MedGen C0015625, MeSH D005199, MONDO:0019391.

Allele frequency attached by ClinVar (database versions not stated): TOPMed 0.00001.
gnomAD v4.1: 1 of 1,614,006 alleles (0.000062%); highest among the groups gnomAD compares: Non-Finnish European, 0.000085%; no homozygotes.

Submission:

Labcorp Genetics (formerly Invitae), Labcorp
Classification: Uncertain significance for Fanconi anemia. Last evaluated: 2019-12-11. Review status: criteria provided, single submitter. Criteria: Invitae Variant Classification Sherloc (09022015). Collection method: clinical testing. Allele origin: germline.
Comment: In summary, the available evidence is currently insufficient to determine the role of this variant in disease. Therefore, it has been classified as a Variant of Uncertain Significance. Algorithms developed to predict the effect of missense changes on protein structure and function are either unavailable or do not agree on the potential impact of this missense change (SIFT: "Deleterious"; PolyPhen-2: "Probably Damaging"; Align-GVGD: "Class C15"). This variant has not been reported in the literature in individuals with FANCC-related conditions. This variant is not present in population databases (ExAC no frequency). This sequence change replaces cysteine with tyrosine at codon 35 of the FANCC protein (p.Cys35Tyr). The cysteine residue is highly conserved and there is a large physicochemical difference between cysteine and tyrosine.